The following is an entry in ClinVar:

NM_033026.6(PCLO):c.6185A>G (p.Asp2062Gly)

Gene: PCLO (piccolo presynaptic cytomatrix protein; minus strand). Cytogenetic location: 7q21.11.
Variant type: single nucleotide variant.
Coding change: c.6185A>G on transcript NM_033026.6 (MANE Select); coding-DNA position 6185, A replaced by G.
Protein change: p.Asp2062Gly; replaces aspartic acid 2062 with glycine.
Molecular consequence: missense variant.
Genome position (GRCh38, 1-based): chr7:82,954,768, T>C on the plus strand (A>G on the coding strand, the complement: PCLO is on the minus strand). VCF-style: chr7-82954768-T-C. GRCh37 (hg19) VCF-style: chr7-82584084-T-C.
Other names: c.6185A>G, p.Asp2062Gly (NM_014510.3); short protein forms D2062G.
Identifiers: ClinVar variation 1494042 (VCV001494042.8), dbSNP rs770675603, ClinGen allele CA4320520.
Genomic context (GRCh38, chr7:82,954,768, plus strand): 5'-GGGCTAGATCCAGGTGTTAATTGCATCTGTTGCCTCTTCATAAGTTCTTCATAGGCAGCA[T>C]CAGCATCTAGTAGTTTCCTTTCTTCTTCTGTAGAAGTTACCATAGTACCCAGGTCCACTA-3'
Protein context (NP_149015.2, residues 2052-2072): TEEERKLLDA[Asp2062Gly]AAYEELMKRQ

ClinVar aggregate classification (germline): Uncertain significance (1 of 4 stars; one submission).

Allele frequency attached by ClinVar (database versions not stated): TOPMed below 0.00001; gnomAD 0.00001; gnomAD exomes 0.00001 and 0.00003; ExAC 0.00002.
gnomAD v4.1: 46 of 1,613,726 alleles (0.0029%); highest among the groups gnomAD compares: Non-Finnish European, 0.0037%; no homozygotes.

Submission:

Labcorp Genetics (formerly Invitae), Labcorp
Classification: Uncertain significance. Last evaluated: 2024-08-12. Review status: criteria provided, single submitter. Criteria: Invitae Variant Classification Sherloc (09022015). Collection method: clinical testing. Allele origin: germline.
Comment: This sequence change replaces aspartic acid, which is acidic and polar, with glycine, which is neutral and non-polar, at codon 2062 of the PCLO protein (p.Asp2062Gly). This variant is present in population databases (rs770675603, gnomAD 0.002%). This variant has not been reported in the literature in individuals affected with PCLO-related conditions. ClinVar contains an entry for this variant (Variation ID: 1494042). Experimental studies and prediction algorithms are not available or were not evaluated, and the functional significance of this variant is currently unknown. In summary, the available evidence is currently insufficient to determine the role of this variant in disease. Therefore, it has been classified as a Variant of Uncertain Significance.